The following is an entry in ClinVar:

ClinVar aggregate classification (germline): Uncertain significance (1 of 4 stars; one submission).

Conditions:
EPILEPSY, CHILDHOOD ABSENCE, SUSCEPTIBILITY TO, 2 (ECA2). Identifiers: Orphanet 64280, MedGen C1843244, OMIM 607681.
Febrile seizures, familial, 8 (FEB8). Also called: CONVULSIONS, FAMILIAL FEBRILE, 8. Identifiers: Orphanet 36387, MedGen C1969810, MONDO:0011891, OMIM 607681.

Allele frequency attached by ClinVar (database versions not stated): gnomAD exomes below 0.00001.

Submission:

Labcorp Genetics (formerly Invitae), Labcorp
Classification: Uncertain significance for Febrile seizures, familial, 8; EPILEPSY, CHILDHOOD ABSENCE, SUSCEPTIBILITY TO, 2. Last evaluated: 2022-08-23. Review status: criteria provided, single submitter. Criteria: Invitae Variant Classification Sherloc (09022015). Collection method: clinical testing. Allele origin: germline.
Comment: In summary, the available evidence is currently insufficient to determine the role of this variant in disease. Therefore, it has been classified as a Variant of Uncertain Significance. Advanced modeling of protein sequence and biophysical properties (such as structural, functional, and spatial information, amino acid conservation, physicochemical variation, residue mobility, and thermodynamic stability) performed at Invitae indicates that this missense variant is not expected to disrupt GABRG2 protein function. This variant has not been reported in the literature in individuals affected with GABRG2-related conditions. This variant is present in population databases (no rsID available, gnomAD 0.003%). This sequence change replaces valine, which is neutral and non-polar, with isoleucine, which is neutral and non-polar, at codon 243 of the GABRG2 protein (p.Val243Ile).

NM_198904.4(GABRG2):c.727G>A (p.Val243Ile)

Gene: GABRG2 (gamma-aminobutyric acid type A receptor subunit gamma2; plus strand). Cytogenetic location: 5q34.
Variant type: single nucleotide variant.
Coding change: c.727G>A on transcript NM_198904.4 (MANE Select); coding-DNA position 727, G replaced by A.
Protein change: p.Val243Ile; replaces valine 243 with isoleucine.
Molecular consequence: missense variant.
Genome position (GRCh38, 1-based): chr5:162,103,984, G>A. VCF-style: chr5-162103984-G-A. GRCh37 (hg19) VCF-style: chr5-161530990-G-A.
Other names: c.727G>A, p.Val243Ile (NM_000816.3, NM_001375340.1, NM_001375341.1 and 2 more transcripts); c.718G>A, p.Val240Ile (NM_001375339.1); c.847G>A, p.Val283Ile (NM_001375343.1, NM_198903.2); c.661G>A, p.Val221Ile (NM_001375345.1, NM_001375346.1); c.640G>A, p.Val214Ile (NM_001375347.1); c.307G>A, p.Val103Ile (NM_001375348.1, NM_001375350.1); c.442G>A, p.Val148Ile (NM_001375349.1); short protein forms V214I, V243I, V283I, V240I, V103I, V148I, V221I.
Identifiers: ClinVar variation 2065362 (VCV002065362.4), dbSNP rs1287665753, ClinGen allele CA362185176.
Genomic context (GRCh38, chr5:162,103,984, plus strand): 5'-AAGCGAAGTTCTGTTGAAGTGGGCGACACAAGATCCTGGAGGCTTTATCAATTCTCATTT[G>A]TTGGTCTAAGAAATACCACCGAAGTAGTGAAGACAACTTCCGGTAAGATGCACTGGCAAA-3'
Protein context (NP_944494.1, residues 233-253): RSWRLYQFSF[Val243Ile]GLRNTTEVVK